The following is an entry in ClinVar:

ClinVar aggregate classification (germline): Pathogenic (1 of 4 stars; one submission).

Submission:

GeneDx
Classification: Pathogenic. Last evaluated: 2026-03-24. Review status: criteria provided, single submitter. Criteria: GeneDx Variant Classification Process June 2021. Collection method: clinical testing. Allele origin: germline.
Comment: Frameshift variant predicted to result in protein truncation or nonsense mediated decay in a gene for which loss of function is a known mechanism of disease; Not observed at significant frequency in large population cohorts (gnomAD); Has not been previously published as pathogenic or benign to our knowledge

NM_015215.4(CAMTA1):c.2479del (p.Gln827fs)

Gene: CAMTA1 (calmodulin binding transcription activator 1; plus strand). Cytogenetic location: 1p36.23.
Variant type: Deletion.
Coding change: c.2479del on transcript NM_015215.4 (MANE Select); coding-DNA position 2479, one base deleted (C; older notation c.2479delC).
Protein change: p.Gln827fs; shifts the reading frame from glutamine 827.
Molecular consequence: frameshift variant.
Genome position (GRCh38, 1-based): chr1:7,665,026, C deleted; the last of 5 consecutive C bases (chr1:7,665,022-7,665,026); deleting any one gives the same sequence. VCF-style (leftmost placement, unchanged base first): chr1-7665021-GC-G. GRCh37 (hg19) VCF-style: chr1-7725081-GC-G.
Other names: c.2389del, p.Gln797fs (NM_001349608.2, NM_001349612.2); c.2479del, p.Gln827fs (NM_001349609.2, NM_001349610.2, NM_001410737.1); c.2407del, p.Gln803fs (NM_001410738.1); short protein forms Q797fs, Q803fs, Q827fs.
Identifiers: ClinVar variation 5017185 (VCV005017185.1).